The following is an entry in ClinVar:

ClinVar aggregate classification (germline): Pathogenic (1 of 4 stars; one submission).

Conditions:
Early-infantile DEE. Also called: Ohtahara syndrome; Early infantile epileptic encephalopathy with suppression bursts; Early infantile epileptic encephalopathy. Identifiers: Orphanet 1934, MedGen C0393706, MONDO:0800491.

Submission:

Labcorp Genetics (formerly Invitae), Labcorp
Classification: Pathogenic for Early-infantile DEE. Last evaluated: 2024-04-25. Review status: criteria provided, single submitter. Criteria: Invitae Variant Classification Sherloc (09022015). Collection method: clinical testing. Allele origin: germline.
Comment: This sequence change creates a premature translational stop signal (p.Gly348*) in the SCN1A gene. It is expected to result in an absent or disrupted protein product. Loss-of-function variants in SCN1A are known to be pathogenic (PMID: 17347258, 18930999). This variant is not present in population databases (gnomAD no frequency). This premature translational stop signal has been observed in individual(s) with developmental and epileptic encephalopathy (PMID: 17054684). Algorithms developed to predict the effect of sequence changes on RNA splicing suggest that this variant may disrupt the consensus splice site. For these reasons, this variant has been classified as Pathogenic.

Literature cited by the submitters: PubMed 17347258; PubMed 18930999; PubMed 17054684.

NM_001165963.4(SCN1A):c.1042G>T (p.Gly348Ter)

Gene: SCN1A (sodium voltage-gated channel alpha subunit 1; minus strand). Cytogenetic location: 2q24.3.
Variant type: single nucleotide variant.
Coding change: c.1042G>T on transcript NM_001165963.4 (MANE Select); coding-DNA position 1042, G replaced by T.
Protein change: p.Gly348Ter; replaces glycine 348 with a stop codon.
Molecular consequence: nonsense. On other transcripts: 5 prime UTR variant (1), non-coding transcript variant (1).
Genome position (GRCh38, 1-based): chr2:166,047,755, C>A on the plus strand (G>T on the coding strand, the complement: SCN1A is on the minus strand). VCF-style: chr2-166047755-C-A. GRCh37 (hg19) VCF-style: chr2-166904265-C-A.
Other names: c.1042G>T, p.Gly348Ter (NM_001165964.3, NM_001202435.3, NM_001353948.2 and 10 more transcripts); c.-1384G>T (NM_001353961.2); short protein forms G348*.
Identifiers: ClinVar variation 3720379 (VCV003720379.2).
Genomic context (GRCh38, chr2:166,047,755, plus strand): 5'-AGGTATCAAAGCTTGTGTAGCCATAATTGGGATTTCTACCAGCTTTCACACACATATATC[C>A]CTCTGGACATTGGCTGCAAGTGGGGTAAAAGAAAGTATTACAAGTCGTTCTGCTGCCTTT-3'